The following is an entry in ClinVar:

NM_000126.4(ETFA):c.457G>C (p.Ala153Pro)

Gene: ETFA (electron transfer flavoprotein subunit alpha; minus strand). Cytogenetic location: 15q24.2.
Variant type: single nucleotide variant.
Coding change: c.457G>C on transcript NM_000126.4 (MANE Select); coding-DNA position 457, G replaced by C.
Protein change: p.Ala153Pro; replaces alanine 153 with proline.
Molecular consequence: missense variant.
Genome position (GRCh38, 1-based): chr15:76,286,476, C>G on the plus strand (G>C on the coding strand, the complement: ETFA is on the minus strand). VCF-style: chr15-76286476-C-G. GRCh37 (hg19) VCF-style: chr15-76578817-C-G.
Other names: c.310G>C, p.Ala104Pro (NM_001127716.2); short protein forms A153P, A104P.
Identifiers: ClinVar variation 947016 (VCV000947016.11), dbSNP rs1398343360, ClinGen allele CA393513923.

ClinVar aggregate classification (germline): Uncertain significance. Review status: criteria provided, single submitter (1 of 4 stars). 2 submissions from 2 submitters: Uncertain significance (1). 1 of the submissions does not count toward it. Last evaluated 2019-09-24.

Conditions:
Glutaric acidemia type 2A.
Multiple acyl-CoA dehydrogenase deficiency (MADD). Also called: ETHYLMALONIC-ADIPICACIDURIA; GA II; Glutaric aciduria, type 2; Glutaric Acidemia type 2; Glutaric acidemia type II; GA 2. Identifiers: Orphanet 26791, MedGen C0268596, MONDO:0009282, OMIM 231680.

Allele frequency attached by ClinVar (database versions not stated): TOPMed below 0.00001; gnomAD 0.00001.

Submissions (2):

Labcorp Genetics (formerly Invitae), Labcorp
Classification: Uncertain significance for Multiple acyl-CoA dehydrogenase deficiency. Last evaluated: 2019-09-24. Review status: criteria provided, single submitter. Criteria: Invitae Variant Classification Sherloc (09022015). Collection method: clinical testing. Allele origin: germline.
Comment: In summary, the available evidence is currently insufficient to determine the role of this variant in disease. Therefore, it has been classified as a Variant of Uncertain Significance. Algorithms developed to predict the effect of missense changes on protein structure and function are either unavailable or do not agree on the potential impact of this missense change (SIFT: "Tolerated"; PolyPhen-2: "Probably Damaging"; Align-GVGD: "Class C0"). This variant has not been reported in the literature in individuals with ETFA-related conditions. This variant is not present in population databases (ExAC no frequency). This sequence change replaces alanine with proline at codon 153 of the ETFA protein (p.Ala153Pro). The alanine residue is highly conserved and there is a small physicochemical difference between alanine and proline.

Natera, Inc.
Classification: Uncertain significance for Glutaric acidemia type 2A. Last evaluated: 2021-02-25. Review status: no assertion criteria provided. Collection method: clinical testing. Allele origin: germline. Not counted in ClinVar's aggregate classification.